The following is an entry in ClinVar:

NM_015559.3(SETBP1):c.2649G>T (p.Glu883Asp)

Gene: SETBP1 (SET binding protein 1; plus strand). Cytogenetic location: 18q12.3.
Variant type: single nucleotide variant.
Coding change: c.2649G>T on transcript NM_015559.3 (MANE Select); coding-DNA position 2649, G replaced by T.
Protein change: p.Glu883Asp; replaces glutamic acid 883 with aspartic acid.
Molecular consequence: missense variant.
Genome position (GRCh38, 1-based): chr18:44,951,989, G>T. VCF-style: chr18-44951989-G-T. GRCh37 (hg19) VCF-style: chr18-42531954-G-T.
Other names: c.2649G>T, p.Glu883Asp (NM_001379141.1, NM_001379142.1, NM_001410862.1); short protein forms E883D.
Identifiers: ClinVar variation 3707277 (VCV003707277.2).
Genomic context (GRCh38, chr18:44,951,989, plus strand): 5'-GACGATCCCCAGCGACAGCGGCATTGGGACAGACAACAACAGCACTTCTGACCAAGCGGA[G>T]AAGAGCTCAGAATCCCGAAGGAGGTACTCTTTTGATTTCTGCTCCCTGGACAACCCGGAG-3'
Protein context (NP_056374.2, residues 873-893): TDNNSTSDQA[Glu883Asp]KSSESRRRYS

ClinVar aggregate classification (germline): Uncertain significance (1 of 4 stars; one submission).

Submission:

Labcorp Genetics (formerly Invitae), Labcorp
Classification: Uncertain significance. Last evaluated: 2024-12-07. Review status: criteria provided, single submitter. Criteria: Invitae Variant Classification Sherloc (09022015). Collection method: clinical testing. Allele origin: germline.
Comment: This sequence change replaces glutamic acid, which is acidic and polar, with aspartic acid, which is acidic and polar, at codon 883 of the SETBP1 protein (p.Glu883Asp). This variant is not present in population databases (gnomAD no frequency). This variant has not been reported in the literature in individuals affected with SETBP1-related conditions. Invitae Evidence Modeling of protein sequence and biophysical properties (such as structural, functional, and spatial information, amino acid conservation, physicochemical variation, residue mobility, and thermodynamic stability) has been performed for this missense variant. However, the output from this modeling did not meet the statistical confidence thresholds required to predict the impact of this variant on SETBP1 protein function. In summary, the available evidence is currently insufficient to determine the role of this variant in disease. Therefore, it has been classified as a Variant of Uncertain Significance.